The following is an entry in ClinVar:

NM_001148.6(ANK2):c.3652C>T (p.Pro1218Ser)

Gene: ANK2 (ankyrin 2; plus strand). Cytogenetic location: 4q26.
Variant type: single nucleotide variant.
Coding change: c.3652C>T on transcript NM_001148.6 (MANE Select); coding-DNA position 3652, C replaced by T.
Protein change: p.Pro1218Ser; replaces proline 1218 with serine.
Molecular consequence: missense variant.
Genome position (GRCh38, 1-based): chr4:113,336,637, C>T. VCF-style: chr4-113336637-C-T. GRCh37 (hg19) VCF-style: chr4-114257793-C-T.
Other names: c.3451C>T, p.Pro1151Ser (NM_001354274.2, NM_001386142.1, NM_001386154.1); c.3490C>T, p.Pro1164Ser (NM_001354275.2, NM_001354245.2, NM_001354262.2); c.3466C>T, p.Pro1156Ser (NM_001354276.2, NM_001386146.1, NM_001386149.1 and 6 more transcripts); c.3268C>T, p.Pro1090Ser (NM_001354277.2, NM_001386157.1); c.1180C>T, p.Pro394Ser (NM_001354278.2, NM_001354281.2); c.1216C>T, p.Pro406Ser (NM_001354279.2, NM_001354282.2); c.1201C>T, p.Pro401Ser (NM_001354280.2); c.3589C>T, p.Pro1197Ser (NM_001386143.1, NM_001354243.2, NM_001354255.2); and 31 more; short protein forms P1209S, P1218S, P1123S, P1131S, P1156S, P1196S, P1201S, P1230S.
Identifiers: ClinVar variation 427962 (VCV000427962.10), dbSNP rs754740031, ClinGen allele CA3050896.

ClinVar aggregate classification (germline): Uncertain significance. Review status: criteria provided, multiple submitters, no conflicts (2 of 4 stars). 3 submissions from 3 submitters: Uncertain significance (3). Last evaluated 2025-09-14.

Conditions:
Cardiovascular phenotype. Identifiers: MedGen CN230736.
Long QT syndrome (LQTS). Identifiers: MedGen C0023976, MeSH D008133, MONDO:0002442. Disease mechanism: loss of function. Inheritance: Various modes of inheritance.
Hypertrophic cardiomyopathy. Also called: HYPERTROPHIC MYOCARDIOPATHY. Identifiers: Orphanet 217569, MedGen C0007194, MeSH D002312, MONDO:0005045, HP:0001639.

Allele frequency attached by ClinVar (database versions not stated): ExAC 0.00002; gnomAD 0.00002; gnomAD exomes 0.00002 and 0.00005; TOPMed 0.00003.
gnomAD v4.1: 77 of 1,613,944 alleles (0.0048%); highest among the groups gnomAD compares: Non-Finnish European, 0.0061%; no homozygotes.

Submissions (3):

Labcorp Genetics (formerly Invitae), Labcorp
Classification: Uncertain significance for Long QT syndrome. Last evaluated: 2025-09-14. Review status: criteria provided, single submitter. Criteria: Invitae Variant Classification Sherloc (09022015). Collection method: clinical testing. Allele origin: germline.
Comment: This sequence change replaces proline, which is neutral and non-polar, with serine, which is neutral and polar, at codon 1218 of the ANK2 protein (p.Pro1218Ser). This variant is present in population databases (rs754740031, gnomAD 0.005%). This variant has not been reported in the literature in individuals affected with ANK2-related conditions. ClinVar contains an entry for this variant (Variation ID: 427962). Invitae Evidence Modeling of protein sequence and biophysical properties (such as structural, functional, and spatial information, amino acid conservation, physicochemical variation, residue mobility, and thermodynamic stability) indicates that this missense variant is not expected to disrupt ANK2 protein function with a negative predictive value of 80%. In summary, the available evidence is currently insufficient to determine the role of this variant in disease. Therefore, it has been classified as a Variant of Uncertain Significance.

Ambry Genetics
Classification: Uncertain significance for Cardiovascular phenotype. Last evaluated: 2025-08-26. Review status: criteria provided, single submitter. Criteria: Ambry Variant Classification Scheme 2023. Collection method: clinical testing. Allele origin: germline.
Comment: The p.P1218S variant (also known as c.3652C>T), located in coding exon 31 of the ANK2 gene, results from a C to T substitution at nucleotide position 3652. The proline at codon 1218 is replaced by serine, an amino acid with similar properties. This amino acid position is highly conserved in available vertebrate species. In addition, this alteration is predicted to be deleterious by in silico analysis. Based on the available evidence, the clinical significance of this variant remains unclear.

Center for Human Genetics, University of Leuven
Classification: Uncertain significance for Hypertrophic cardiomyopathy. Last evaluated: 2017-04-30. Review status: criteria provided, single submitter. Criteria: ACMG Guidelines, 2015. Collection method: clinical testing. Allele origin: germline. Inheritance: Autosomal dominant inheritance. Affected: yes.